The following is an entry in ClinVar:

NM_030777.4(SLC2A10):c.931G>A (p.Val311Ile)

Gene: SLC2A10 (solute carrier family 2 member 10; plus strand). Cytogenetic location: 20q13.12.
Variant type: single nucleotide variant.
Coding change: c.931G>A on transcript NM_030777.4 (MANE Select); coding-DNA position 931, G replaced by A.
Protein change: p.Val311Ile; replaces valine 311 with isoleucine.
Molecular consequence: missense variant.
Genome position (GRCh38, 1-based): chr20:46,725,967, G>A. VCF-style: chr20-46725967-G-A. GRCh37 (hg19) VCF-style: chr20-45354606-G-A.
Other names: p.V311I:GTC>ATC; short protein forms V311I.
Identifiers: ClinVar variation 213720 (VCV000213720.66), dbSNP rs139932041, ClinGen allele CA320537.
Genomic context (GRCh38, chr20:46,725,967, plus strand): 5'-GTGGACCGTGCAGGCCGCAGGGCTCTGTTGCTAGCTGGCTGTGCCCTCATGGCCCTGTCC[G>A]TCAGTGGCATAGGCCTCGTCAGCTTTGCCGTGCCCATGGACTCAGGCCCAAGCTGTCTGG-3'
Protein context (NP_110404.1, residues 301-321): LAGCALMALS[Val311Ile]SGIGLVSFAV

ClinVar aggregate classification (germline): Conflicting classifications of pathogenicity. Review status: criteria provided, conflicting classifications (1 of 4 stars). 10 submissions from 10 submitters: Uncertain significance (5); Likely benign (5). Last evaluated 2026-01-27.

Conditions:
Familial thoracic aortic aneurysm and aortic dissection (TAAD). Also called: Thoracic aortic aneurysms and dissections. Identifiers: Orphanet 91387, MedGen C4707243, MONDO:0019625.
Arterial tortuosity syndrome (ATORS). Identifiers: Orphanet 3342, MedGen C1859726, MONDO:0008818, OMIM 208050.

Allele frequency attached by ClinVar (database versions not stated): ESP Exome Variant Server 0.00023; gnomAD exomes 0.00023 and 0.00030; gnomAD 0.00025 and 0.00026; ExAC 0.00031; TOPMed 0.00033; 1000 Genomes Project 0.00060; 1000 Genomes Project 30x 0.00062.
gnomAD v4.1: 380 of 1,613,796 alleles (0.024%); highest among the groups gnomAD compares: Middle Eastern, 0.26%; 1 homozygote.

Submissions (10):

Labcorp Genetics (formerly Invitae), Labcorp
Classification: Likely benign for Arterial tortuosity syndrome. Last evaluated: 2026-01-27. Review status: criteria provided, single submitter. Criteria: Invitae Variant Classification Sherloc (09022015). Collection method: clinical testing. Allele origin: germline.

GeneDx
Classification: Uncertain significance. Last evaluated: 2025-08-15. Review status: criteria provided, single submitter. Criteria: GeneDx Variant Classification Process June 2021. Collection method: clinical testing. Allele origin: germline. Affected: yes.
Comment: In silico analysis suggests that this missense variant does not alter protein structure/function; Reported in patients with pulmonary arterial hypertension or with familial intracranial aneurysms (PMID: 34668355, 29843651); This variant is associated with the following publications: (PMID: 29843651, 34668355)

Women's Health and Genetics/Laboratory Corporation of America, LabCorp
Classification: Uncertain significance. Last evaluated: 2025-02-10. Review status: criteria provided, single submitter. Criteria: LabCorp Variant Classification Summary - May 2015. Collection method: clinical testing. Allele origin: germline.
Comment: Variant summary: SLC2A10 c.931G>A (p.Val311Ile) results in a conservative amino acid change in the encoded protein sequence. Five of five in-silico tools predict a benign effect of the variant on protein function. The variant allele was found at a frequency of 0.0003 in 250954 control chromosomes. This frequency is not significantly higher than estimated for a pathogenic variant in SLC2A10 causing Aortopathy (0.0003 vs 0.0016), allowing no conclusion about variant significance. c.931G>A has been reported in the literature without strong evidence for causality. These reports do not provide unequivocal conclusions about association of the variant with Aortopathy. To our knowledge, no experimental evidence demonstrating an impact on protein function has been reported. The following publications have been ascertained in the context of this evaluation (PMID: 29843651, 34668355). ClinVar contains an entry for this variant (Variation ID: 213720). Based on the evidence outlined above, the variant was classified as uncertain significance.

Blueprint Genetics
Classification: Likely benign. Last evaluated: 2024-11-22. Review status: criteria provided, single submitter. Criteria: ACMG Guidelines, 2015. Collection method: clinical testing. Allele origin: germline.

Centre of Medical Genetics, University of Antwerp
Classification: Uncertain significance for Familial thoracic aortic aneurysm and aortic dissection. Last evaluated: 2024-09-06. Review status: criteria provided, single submitter. Criteria: ACMG Guidelines, 2015. Collection method: clinical testing. Allele origin: germline. Affected: yes.

Ambry Genetics
Classification: Likely benign for Familial thoracic aortic aneurysm and aortic dissection. Last evaluated: 2024-03-28. Review status: criteria provided, single submitter. Criteria: Ambry Variant Classification Scheme 2023. Collection method: clinical testing. Allele origin: germline.

ARUP Laboratories, Molecular Genetics and Genomics, ARUP Laboratories
Classification: Uncertain significance for Arterial tortuosity syndrome. Last evaluated: 2021-09-13. Review status: criteria provided, single submitter. Criteria: ARUP Molecular Germline Variant Investigation Process 2021. Collection method: clinical testing. Allele origin: germline.
Comment: The SLC2A10 c.931G>A; p.Val311Ile variant (rs139932041), to our knowledge, is not reported in the medical literature but is reported in ClinVar (Variation ID: 213720). This variant is found in the general population with an overall allele frequency of 0.029% (81/282,340 alleles) in the Genome Aggregation Database. The valine at codon 311 is moderately conserved, but computational analyses predict that this variant is neutral (REVEL: 0.14). Due to limited information, the clinical significance of the p.Val311Ile variant is uncertain at this time.

CeGaT Center for Human Genetics Tuebingen
Classification: Likely benign. Last evaluated: 2021-08-01. Review status: criteria provided, single submitter. Criteria: CeGaT Center For Human Genetics Tuebingen Variant Classification Criteria Version 2. Collection method: clinical testing. Allele origin: germline. Affected: yes. Observed: 1 variant allele.

CHEO Genetics Diagnostic Laboratory, Children's Hospital of Eastern Ontario
Classification: Likely benign for Familial thoracic aortic aneurysm and aortic dissection. Last evaluated: 2018-11-05. Review status: criteria provided, single submitter. Criteria: ACMG Guidelines, 2015. Collection method: clinical testing. Allele origin: germline.

Illumina Laboratory Services, Illumina
Classification: Uncertain significance for Arterial tortuosity syndrome. Last evaluated: 2018-01-13. Review status: criteria provided, single submitter. Criteria: ICSL Variant Classification Criteria 13 December 2019. Collection method: clinical testing. Allele origin: germline.

Literature cited by the submitters: PubMed 29843651 (cited by Women's Health and Genetics/Laboratory Corporation of America, LabCorp); PubMed 34668355 (cited by Women's Health and Genetics/Laboratory Corporation of America, LabCorp and Ambry Genetics).